The following is an entry in ClinVar:

GRCh38/hg38 15q11.2(chr15:24847127-24863718)x1

Genes: SNHG14 (small nucleolar RNA host gene 14; plus strand), SNRPN (small nuclear ribonucleoprotein polypeptide N; plus strand), LOC112272579 (Sharpr-MPRA regulatory region 849; plus strand). Cytogenetic location: 15q11.2.
Variant type: copy number loss.
Change: copy number 1 (one copy instead of two) of chr15:24,847,127-24,863,718 (16.6 kb, GRCh38 coordinates, 1-based), cytogenetic band 15q11.2.
Identifiers: ClinVar variation 57117 (VCV000057117.1).

ClinVar aggregate classification (germline): Benign (1 of 4 stars; one submission).

Submission:

ISCA site 4
Classification: Benign. Last evaluated: 2011-08-12. Review status: criteria provided, single submitter. Criteria: Kaminsky et al. (Genet Med. 2011). Collection method: clinical testing. Allele origin: maternal. Affected: yes. Observed: 1 variant allele.
Comment: Copy number variation identified through the course of routine clinical cytogenomic testing in postnatal populations. Clinical assertions have been curated as described in Kaminsky et al. 2011.